The following is an entry in ClinVar:

NM_000257.4(MYH7):c.2287G>A (p.Val763Met)

Genes: MYH7 (myosin heavy chain 7; minus strand), LOC126861898 (BRD4-independent group 4 enhancer GRCh37_chr14:23893609-23894808; plus strand). Cytogenetic location: 14q11.2.
Variant type: single nucleotide variant.
Coding change: c.2287G>A on transcript NM_000257.4 (MANE Select); coding-DNA position 2287, G replaced by A.
Protein change: p.Val763Met; replaces valine 763 with methionine.
Molecular consequence: missense variant.
Genome position (GRCh38, 1-based): chr14:23,425,418, C>T on the plus strand (G>A on the coding strand, the complement: MYH7 is on the minus strand). VCF-style: chr14-23425418-C-T. GRCh37 (hg19) VCF-style: chr14-23894627-C-T.
Other names: short protein forms V763M.
Identifiers: ClinVar variation 177642 (VCV000177642.22), dbSNP rs727504253, ClinGen allele CA012070.
Genomic context (GRCh38, chr14:23,425,418, plus strand): 5'-GGCTCAGCCTCTCGTCCCTCATTTCCTCCAGCAGCCCCAGCAGCCCGGCCTTGAAGAACA[C>T]CTGCAGGCAAGGTGTGTGTTGGCCATGACTAGGGAGGGGTACGAGGGAAAGAGATGGTGG-3'
Protein context (NP_000248.2, residues 753-773): HNQYKFGHTK[Val763Met]FFKAGLLGLL

ClinVar aggregate classification (germline): Conflicting classifications of pathogenicity. Review status: criteria provided, conflicting classifications (1 of 4 stars). 6 submissions from 6 submitters: Likely pathogenic (1); Uncertain significance (5). Last evaluated 2025-08-20.

Conditions:
Cardiovascular phenotype. Identifiers: MedGen CN230736.
Myopathy, myosin storage, autosomal recessive (CMYO7B). Also called: CONGENITAL MYOPATHY 7B, MYOSIN STORAGE, AUTOSOMAL RECESSIVE. Identifiers: Orphanet 636970, MedGen C1850709, MONDO:0009708, OMIM 255160.
MYH7-related skeletal myopathy. Also called: Laing early-onset distal myopathy; MYOPATHY, DISTAL, EARLY-ONSET, AUTOSOMAL DOMINANT; MYOPATHY, LATE DISTAL HEREDITARY; Myopathy, distal, 1; Laing distal myopathy. Identifiers: Orphanet 59135, MedGen C4552004, MONDO:0008050, OMIM 160500.
Cardiomyopathy (CMYO). Also called: Cardiomyopathies. Identifiers: Orphanet 167848, MedGen C0878544, MONDO:0004994, HP:0001638. Inheritance: Various modes of inheritance.
Hypertrophic cardiomyopathy. Also called: HYPERTROPHIC MYOCARDIOPATHY. Identifiers: Orphanet 217569, MedGen C0007194, MeSH D002312, MONDO:0005045, HP:0001639.

Submissions (6):

Labcorp Genetics (formerly Invitae), Labcorp
Classification: Uncertain significance for Hypertrophic cardiomyopathy. Last evaluated: 2025-08-20. Review status: criteria provided, single submitter. Criteria: Invitae Variant Classification Sherloc (09022015). Collection method: clinical testing. Allele origin: germline.
Comment: This sequence change replaces valine, which is neutral and non-polar, with methionine, which is neutral and non-polar, at codon 763 of the MYH7 protein (p.Val763Met). This variant is not present in population databases (gnomAD no frequency). This missense change has been observed in individual(s) with hypertrophic cardiomyopathy and/or myopathy (PMID: 18403758, 27532257, 37652022, 38374194). ClinVar contains an entry for this variant (Variation ID: 177642). An algorithm developed to predict the effect of missense changes on protein structure and function (PolyPhen-2) suggests that this variant is likely to be disruptive. Algorithms developed to predict the effect of sequence changes on RNA splicing suggest that this variant may disrupt the consensus splice site. This variant is found within a region of MYH7 between codons 181 and 937 that contains the majority of the myosin head domain. Missense variants in this region have been shown to be significantly overrepresented in individuals with hypertrophic cardiomyopathy (PMID: 27532257). In summary, the available evidence is currently insufficient to determine the role of this variant in disease. Therefore, it has been classified as a Variant of Uncertain Significance.

Ambry Genetics
Classification: Uncertain significance for Cardiovascular phenotype. Last evaluated: 2021-10-28. Review status: criteria provided, single submitter. Criteria: Ambry Variant Classification Scheme 2023. Collection method: clinical testing. Allele origin: germline.
Comment: The p.V763M variant (also known as c.2287G>A) is located in coding exon 19 of the MYH7 gene. The valine at codon 763 is replaced by methionine, an amino acid with highly similar properties. This change occurs in the first base pair of coding exon 19. This alteration is located in the myosin head domain, which contains a statistically significant clustering of pathogenic missense variants (Homburger JR et al. Proc Natl Acad Sci U S A, 2016 06;113:6701-6; Walsh R et al. Genet Med, 2017 02;19:192-203; Ambry internal data). This alteration has been detected in a pediatric hypertrophic cardiomyopathy patient who also carried a pathogenic mutation in MYH7 (Morita H et al. N. Engl. J. Med. 2008;358:1899-908). This variant has also been reported in an HCM cohort and in an arrhythmia cohort; however, clinical details were limited (Adler A et al. Circ Arrhythm Electrophysiol. 2016;9:e003440; Walsh R et al. Genet. Med. 2017;19:192-203). This amino acid position is highly conserved in available vertebrate species. In addition, this alteration is predicted to be deleterious by in silico analysis. Since supporting evidence is limited at this time, the clinical significance of this alteration remains unclear.

Laboratory for Molecular Medicine, Mass General Brigham Personalized Medicine
Classification: Likely pathogenic for Hypertrophic cardiomyopathy. Last evaluated: 2019-10-09. Review status: criteria provided, single submitter. Criteria: LMM Criteria. Collection method: clinical testing. Allele origin: germline. Inheritance: Autosomal dominant inheritance. Observed: 6 variant alleles.
Comment: proposed classification - variant undergoing re-assessment, contact laboratory

Women's Health and Genetics/Laboratory Corporation of America, LabCorp
Classification: Uncertain significance. Last evaluated: 2019-08-13. Review status: criteria provided, single submitter. Criteria: LabCorp Variant Classification Summary - May 2015. Collection method: clinical testing. Allele origin: germline.
Comment: Variant summary: MYH7 c.2287G>A (p.Val763Met) results in a conservative amino acid change located in the Myosin tail domain (IPR002928) of the encoded protein sequence. Four of five in-silico tools predict a damaging effect of the variant on protein function. 5/5 computational tools predict no significant impact on normal splicing. However, these predictions have yet to be confirmed by functional studies. The variant was absent in 251358 control chromosomes (gnomAD). The available data on variant occurrences in the general population are insufficient to allow any conclusion about variant significance. The variant, c.2287G>A, has been reported in the literature in individuals affected with Cardiomyopathy (Morita_2008, Adler_2016, Walsh_2017). These reports do not provide unequivocal conclusions about association of the variant with Cardiomyopathy. Co-occurrence with another pathogenic variant have been reported ( MYH7 c.1988G>A, p.Arg663His) (Morita_2008), providing supporting evidence for a benign role. To our knowledge, no experimental evidence demonstrating an impact on protein function has been reported. No clinical diagnostic laboratories have submitted clinical-significance assessments for this variant to ClinVar after 2014. Based on the evidence outlined above, the variant was classified as uncertain significance.

Color Diagnostics, LLC DBA Color Health
Classification: Uncertain significance for Cardiomyopathy. Last evaluated: 2018-12-12. Review status: criteria provided, single submitter. Criteria: ACMG Guidelines, 2015. Collection method: clinical testing. Allele origin: germline.
Comment: Variant of Uncertain Significance due to insufficient evidence: This variant is located in the myosin head/motor (S1) domain of the MYH7 protein. Computational prediction tools and conservation analyses suggest that this variant may have deleterious impact on the protein function. Computational splicing tools suggest that this variant may not impact RNA splicing. To our knowledge, functional assays have not been performed for this variant. This variant has been reported in compound heterozygosity with a pathogenic variant p.Arg663His in an individual affected with childhood-onset cardiac hypertrophy (PMID: 18403758). This variant is rare in the general population and has been identified in 0/277264 chromosomes by the Genome Aggregation Database (gnomAD). Available evidence is insufficient to determine the pathogenicity of this variant conclusively.

Kariminejad - Najmabadi Pathology & Genetics Center
Classification: Uncertain significance for MYH7-related skeletal myopathy; Myopathy, myosin storage, autosomal recessive. Last evaluated: 2018-07-10. Review status: criteria provided, single submitter. Criteria: ACMG Guidelines, 2015. Collection method: clinical testing. Allele origin: germline. Inheritance: Autosomal dominant inheritance. Affected: yes.
Comment: PM1,PM2,PP2,PP3,BS2

Literature cited by the submitters: PubMed 18403758 (cited by 3 submitters); PubMed 27532257 (cited by 3 submitters); PubMed 37652022 (cited by Labcorp Genetics (formerly Invitae), Labcorp); PubMed 38374194 (cited by Labcorp Genetics (formerly Invitae), Labcorp); PubMed 26743238 (cited by Ambry Genetics and Women's Health and Genetics/Laboratory Corporation of America, LabCorp); PubMed 28606303 (cited by Ambry Genetics and Women's Health and Genetics/Laboratory Corporation of America, LabCorp); PubMed 31582565 (cited by Ambry Genetics); PubMed 12820698 (cited by Laboratory for Molecular Medicine, Mass General Brigham Personalized Medicine); PubMed 18761664 (cited by Women's Health and Genetics/Laboratory Corporation of America, LabCorp); PubMed 25125180 (cited by Women's Health and Genetics/Laboratory Corporation of America, LabCorp); PubMed 25935763 (cited by Women's Health and Genetics/Laboratory Corporation of America, LabCorp); PubMed 26223264 (cited by Women's Health and Genetics/Laboratory Corporation of America, LabCorp); PubMed 30275503 (cited by Women's Health and Genetics/Laboratory Corporation of America, LabCorp).